The following is an entry in ClinVar:

NM_006506.5(RASA2):c.677A>G (p.Tyr226Cys)

Gene: RASA2 (RAS p21 protein activator 2; plus strand). Cytogenetic location: 3q23.
Variant type: single nucleotide variant.
Coding change: c.677A>G on transcript NM_006506.5 (MANE Select); coding-DNA position 677, A replaced by G.
Protein change: p.Tyr226Cys; replaces tyrosine 226 with cysteine.
Molecular consequence: missense variant.
Genome position (GRCh38, 1-based): chr3:141,555,905, A>G. VCF-style: chr3-141555905-A-G. GRCh37 (hg19) VCF-style: chr3-141274747-A-G.
Other names: c.677A>G, p.Tyr226Cys (NM_001303245.3, NM_001303246.3); short protein forms Y226C.
Identifiers: ClinVar variation 3943000 (VCV003943000.1).

ClinVar aggregate classification (germline): Uncertain significance (1 of 4 stars; one submission).

Submission:

Ambry Genetics
Classification: Uncertain significance. Last evaluated: 2025-04-07. Review status: criteria provided, single submitter. Criteria: Ambry Variant Classification Scheme 2023. Collection method: clinical testing. Allele origin: germline.
Comment: The p.Y226C variant (also known as c.677A>G), located in coding exon 7 of the RASA2 gene, results from an A to G substitution at nucleotide position 677. The tyrosine at codon 226 is replaced by cysteine, an amino acid with highly dissimilar properties. This amino acid position is conserved. In addition, the in silico prediction for this alteration is inconclusive. Based on the available evidence, the clinical significance of this variant remains unclear.